The following is an entry in ClinVar:

ClinVar aggregate classification (germline): Uncertain significance (1 of 4 stars; one submission).

Conditions:
LRP5-related disorder. Also called: LRP5-related condition.

Allele frequency attached by ClinVar (database versions not stated): gnomAD exomes below 0.00001; TOPMed below 0.00001.
gnomAD v4.1: 3 of 1,613,468 alleles (0.00019%); highest among the groups gnomAD compares: Non-Finnish European, 0.00025%; no homozygotes.

Submission:

PreventionGenetics, part of Exact Sciences
Classification: Uncertain significance for LRP5-related condition. Last evaluated: 2026-01-23. Review status: criteria provided, single submitter. Criteria: ACMG Guidelines, 2015. Collection method: clinical testing. Allele origin: germline.
Comment: The LRP5 c.3347C>T variant is predicted to result in the amino acid substitution p.Ala1116Val. To our knowledge, this variant has not been reported in the literature or in a large population database, indicating this variant is rare. At this time, the clinical significance of this variant is uncertain due to the absence of conclusive functional and genetic evidence.

NM_002335.4(LRP5):c.3347C>T (p.Ala1116Val)

Gene: LRP5 (LDL receptor related protein 5; plus strand). Cytogenetic location: 11q13.2.
Variant type: single nucleotide variant.
Coding change: c.3347C>T on transcript NM_002335.4 (MANE Select); coding-DNA position 3347, C replaced by T.
Protein change: p.Ala1116Val; replaces alanine 1116 with valine.
Molecular consequence: missense variant.
Genome position (GRCh38, 1-based): chr11:68,425,212, C>T. VCF-style: chr11-68425212-C-T. GRCh37 (hg19) VCF-style: chr11-68192680-C-T.
Other names: c.1604C>T, p.Ala535Val (NM_001291902.2); short protein forms A1116V, A535V.
Identifiers: ClinVar variation 2633262 (VCV002633262.2), dbSNP rs1408022055, ClinGen allele CA381621492.